The following is an entry in ClinVar:

NM_182978.4(GNAL):c.625-37T>A

Gene: GNAL (G protein subunit alpha L; plus strand). Cytogenetic location: 18p11.21.
Variant type: single nucleotide variant.
Coding change: c.625-37T>A on transcript NM_182978.4 (MANE Select); 37 bases into the intron before coding-DNA position 625, T replaced by A.
Molecular consequence: intron variant.
Genome position (GRCh38, 1-based): chr18:11,824,881, T>A. VCF-style: chr18-11824881-T-A. GRCh37 (hg19) VCF-style: chr18-11824880-T-A.
Other names: c.394-37T>A (NM_001261443.2, NM_001142339.3, NM_001369387.1).
Identifiers: ClinVar variation 1258127 (VCV001258127.5), dbSNP rs1647556, ClinGen allele CA8893950.

ClinVar aggregate classification (germline): Benign. Review status: criteria provided, multiple submitters, no conflicts (2 of 4 stars). 3 submissions from 3 submitters: Benign (3). Last evaluated 2024-07-31.

Allele frequency attached by ClinVar (database versions not stated): 1000 Genomes Project 0.63938; TOPMed 0.66722; ESP Exome Variant Server 0.71170; gnomAD 0.75912 and 0.76251; gnomAD exomes 0.78416 and 0.81335; ExAC 0.80662.
gnomAD v4.1: 838,494 of 1,073,952 alleles (78%); highest among the groups gnomAD compares: Admixed American, 87%; 325,224 homozygotes.

Submissions (3):

Unidad de Genómica Garrahan, Hospital de Pediatría Garrahan
Classification: Benign. Last evaluated: 2024-07-31. Review status: criteria provided, single submitter. Criteria: ACMG Guidelines, 2015. Collection method: clinical testing. Allele origin: germline. Affected: no. Observed: 89 variant alleles.
Comment: This variant is classified as Benign based on local population frequency. This variant was detected in 96% of patients studied in a panel designed for Epileptic and Developmental Encephalopathy, Progressive Myoclonus Epilepsy and Abnormal Movements and Neurodegeneration with brain iron accumulation. Number of patients: 89. Only high quality variants are reported.

GeneDx
Classification: Benign. Last evaluated: 2019-08-20. Review status: criteria provided, single submitter. Criteria: GeneDx Variant Classification Process June 2021. Collection method: clinical testing. Allele origin: germline. Affected: yes.

Breakthrough Genomics
Classification: Benign. Review status: criteria provided, single submitter. Criteria: ACMG Guidelines, 2015. Collection method: not provided. Allele origin: germline. Inheritance: Autosomal dominant inheritance. Affected: yes.